The following is an entry in ClinVar:

ClinVar aggregate classification (germline): Pathogenic. Review status: criteria provided, multiple submitters, no conflicts (2 of 4 stars). 6 submissions from 6 submitters: Pathogenic (6). Last evaluated 2025-08-31.

Conditions:
Hereditary cancer-predisposing syndrome. Also called: Hereditary neoplastic syndrome; Neoplastic Syndromes, Hereditary; Tumor predisposition; Hereditary Cancer Syndrome. Identifiers: Orphanet 140162, MedGen C0027672, MeSH D009386, MONDO:0015356.
Hereditary breast ovarian cancer syndrome. Also called: Hereditary breast and ovarian cancer syndrome (HBOC); Hereditary breast and ovarian cancer; Hereditary breast and ovarian cancer syndrome; Breast and ovarian cancer; Hereditary breast and/or ovarian cancer syndrome; BRCA1- and BRCA2-Associated Hereditary Breast and Ovarian Cancer. Identifiers: Orphanet 145, MedGen C0677776, MeSH D061325, MONDO:0003582. Disease mechanism: loss of function.
Familial cancer of breast. Also called: BREAST CANCER, FAMILIAL; Hereditary breast cancer; hereditary breast carcinoma. Identifiers: Orphanet 227535, MedGen C0346153, MONDO:0016419, OMIM 114480. Disease mechanism: loss of function.

Allele frequency attached by ClinVar (database versions not stated): gnomAD exomes below 0.00001; TOPMed below 0.00001; gnomAD 0.00001.

Submissions (6):

Labcorp Genetics (formerly Invitae), Labcorp
Classification: Pathogenic for Familial cancer of breast. Last evaluated: 2025-08-31. Review status: criteria provided, single submitter. Criteria: Invitae Variant Classification Sherloc (09022015). Collection method: clinical testing. Allele origin: germline.
Comment: This sequence change creates a premature translational stop signal (p.Pro5Serfs*8) in the PALB2 gene. It is expected to result in an absent or disrupted protein product. Loss-of-function variants in PALB2 are known to be pathogenic (PMID: 17200668, 17200671, 17200672, 24136930, 25099575). This variant is present in population databases (no rsID available, gnomAD 0.003%). This premature translational stop signal has been observed in individual(s) with breast cancer (PMID: 27469594). This variant is also known as c.12_13insT. ClinVar contains an entry for this variant (Variation ID: 246045). For these reasons, this variant has been classified as Pathogenic.

Women's Health and Genetics/Laboratory Corporation of America, LabCorp
Classification: Pathogenic for Hereditary breast ovarian cancer syndrome. Last evaluated: 2024-03-12. Review status: criteria provided, single submitter. Criteria: LabCorp Variant Classification Summary - May 2015. Collection method: clinical testing. Allele origin: germline.
Comment: Variant summary: PALB2 c.12dupT (p.Pro5SerfsX8) results in a premature termination codon, predicted to cause a truncation of the encoded protein or absence of the protein due to nonsense mediated decay, which are commonly known mechanisms for disease. The variant allele was found at a frequency of 4e-06 in 247574 control chromosomes. c.12dupT has been reported in the literature in individuals affected with Hereditary Breast And Ovarian Cancer Syndrome (e.g. Palmer_2020). To our knowledge, no experimental evidence demonstrating an impact on protein function has been reported. The following publication has been ascertained in the context of this evaluation (PMID: 32427313). ClinVar contains an entry for this variant (Variation ID: 246045). Based on the evidence outlined above, the variant was classified as pathogenic.

Myriad Genetics, Inc.
Classification: Pathogenic for Familial cancer of breast. Last evaluated: 2023-09-05. Review status: criteria provided, single submitter. Criteria: Myriad Autosomal Dominant, Autosomal Recessive and X-Linked Classification Criteria (2023). Collection method: clinical testing. Allele origin: unknown.
Comment: This variant is considered pathogenic. This variant creates a frameshift predicted to result in premature protein truncation.

GeneDx
Classification: Pathogenic. Last evaluated: 2022-08-15. Review status: criteria provided, single submitter. Criteria: GeneDx Variant Classification Process June 2021. Collection method: clinical testing. Allele origin: germline. Affected: yes.
Comment: Frameshift variant predicted to result in protein truncation or nonsense mediated decay in a gene for which loss of function is a known mechanism of disease; Not observed at significant frequency in large population cohorts (gnomAD); This variant is associated with the following publications: (PMID: 29922827, 27469594)

Ambry Genetics
Classification: Pathogenic for Hereditary cancer-predisposing syndrome. Last evaluated: 2022-06-17. Review status: criteria provided, single submitter. Criteria: Ambry Variant Classification Scheme 2023. Collection method: clinical testing. Allele origin: germline.
Comment: The c.12dupT pathogenic mutation, located in coding exon 1 of the PALB2 gene, results from a duplication of T at nucleotide position 12, causing a translational frameshift with a predicted alternate stop codon (p.P5Sfs*8). This alteration is expected to result in loss of function by premature protein truncation or nonsense-mediated mRNA decay. As such, this alteration is interpreted as a disease-causing mutation.

Color Diagnostics, LLC DBA Color Health
Classification: Pathogenic for Hereditary cancer-predisposing syndrome. Last evaluated: 2019-08-21. Review status: criteria provided, single submitter. Criteria: ACMG Guidelines, 2015. Collection method: clinical testing. Allele origin: germline.
Comment: This variant inserts 1 nucleotide in exon 1 of the PALB2 gene, creating a frameshift and premature translation stop signal. This variant is expected to result in an absent or non-functional protein product. Computational splicing tools suggest that this variant may not impact RNA splicing. To our knowledge, functional assays have not been performed for this variant. This variant (also known as c.12_13insT in the literature) has been reported in an individual affected with breast cancer (PMID: 27469594). This variant has been identified in 1/247574 chromosomes in the general population by the Genome Aggregation Database (gnomAD). Loss of PALB2 function is a known mechanism of disease. Based on available evidence, this variant is classified as Pathogenic.

Literature cited by the submitters: PubMed 17200668 (cited by Labcorp Genetics (formerly Invitae), Labcorp); PubMed 17200671 (cited by Labcorp Genetics (formerly Invitae), Labcorp); PubMed 17200672 (cited by Labcorp Genetics (formerly Invitae), Labcorp); PubMed 24136930 (cited by Labcorp Genetics (formerly Invitae), Labcorp); PubMed 25099575 (cited by Labcorp Genetics (formerly Invitae), Labcorp); PubMed 27469594 (cited by Labcorp Genetics (formerly Invitae), Labcorp); PubMed 32427313 (cited by Women's Health and Genetics/Laboratory Corporation of America, LabCorp).

NM_024675.4(PALB2):c.12dup (p.Pro5fs)

Gene: PALB2 (partner and localizer of BRCA2; minus strand). Cytogenetic location: 16p12.2.
Variant type: Duplication.
Coding change: c.12dup on transcript NM_024675.4 (MANE Select); coding-DNA position 12, one base duplicated (T; older notation c.12dupT).
Protein change: p.Pro5fs; shifts the reading frame from proline 5.
Molecular consequence: frameshift variant.
Genome position (GRCh38, 1-based): chr16:23,641,146, A duplicated on the plus strand (T on the coding strand, the reverse complement: PALB2 is on the minus strand). VCF-style (leftmost placement, unchanged base first): chr16-23641145-G-GA. GRCh37 (hg19) VCF-style: chr16-23652466-G-GA.
Other names: c.12dupT (NM_024675.3, NM_024675.4); short protein forms P5fs.
Identifiers: ClinVar variation 246045 (VCV000246045.23), dbSNP rs879254062, ClinGen allele CA10584526.